The following is an entry in ClinVar:

NM_001013838.3(CARMIL2):c.810G>A (p.Ala270=)

Gene: CARMIL2 (capping protein regulator and myosin 1 linker 2; plus strand). Cytogenetic location: 16q22.1.
Variant type: single nucleotide variant.
Coding change: c.810G>A on transcript NM_001013838.3 (MANE Select); coding-DNA position 810, G replaced by A.
Protein change: p.Ala270=; no amino-acid change (alanine 270 retained).
Molecular consequence: synonymous variant.
Genome position (GRCh38, 1-based): chr16:67,647,541, G>A. VCF-style: chr16-67647541-G-A. GRCh37 (hg19) VCF-style: chr16-67681444-G-A.
Other names: c.810G>A, p.Ala270= (NM_001317026.3); c.810G>A (NM_001013838.1).
Identifiers: ClinVar variation 1090061 (VCV001090061.14), dbSNP rs368850534, ClinGen allele CA8113233.

ClinVar aggregate classification (germline): Likely benign. Review status: criteria provided, multiple submitters, no conflicts (2 of 4 stars). 5 submissions from 5 submitters: Likely benign (2). 3 of the submissions do not count toward it. Last evaluated 2026-01-18.

Conditions:
CARMIL2-related disorder. Also called: CARMIL2-related condition.

Allele frequency attached by ClinVar (database versions not stated): ExAC 0.00018; gnomAD exomes 0.00019 and 0.00037; gnomAD 0.00022 and 0.00024; TOPMed 0.00025; 1000 Genomes Project 30x 0.00031; ESP Exome Variant Server 0.00033.

Submissions (5):

Labcorp Genetics (formerly Invitae), Labcorp
Classification: Likely benign. Last evaluated: 2026-01-18. Review status: criteria provided, single submitter. Criteria: Invitae Variant Classification Sherloc (09022015). Collection method: clinical testing. Allele origin: germline.

Blueprint Genetics
Classification: Likely benign. Last evaluated: 2024-10-23. Review status: criteria provided, single submitter. Criteria: ACMG Guidelines, 2015. Collection method: clinical testing. Allele origin: germline.

PreventionGenetics, part of Exact Sciences
Classification: Likely benign for CARMIL2-related condition. Last evaluated: 2023-10-16. Review status: no assertion criteria provided. Collection method: clinical testing. Allele origin: germline. Not counted in ClinVar's aggregate classification.
Comment: This variant is classified as likely benign based on ACMG/AMP sequence variant interpretation guidelines (Richards et al. 2015 PMID: 25741868, with internal and published modifications).

Clinical Genetics DNA and cytogenetics Diagnostics Lab, Erasmus MC, Erasmus Medical Center
Classification: Likely benign. Review status: no assertion criteria provided. Collection method: clinical testing. Allele origin: germline. Affected: yes. Study: VKGL Data-share Consensus. Not counted in ClinVar's aggregate classification.

Genome Diagnostics Laboratory, University Medical Center Utrecht
Classification: Likely benign. Review status: no assertion criteria provided. Collection method: clinical testing. Allele origin: germline. Affected: yes. Study: VKGL Data-share Consensus. Not counted in ClinVar's aggregate classification.